The following is an entry in ClinVar:

NM_000256.3(MYBPC3):c.705C>T (p.Gly235=)

Gene: MYBPC3 (myosin binding protein C3; minus strand). Cytogenetic location: 11p11.2.
Variant type: single nucleotide variant.
Coding change: c.705C>T on transcript NM_000256.3 (MANE Select); coding-DNA position 705, C replaced by T.
Protein change: p.Gly235=; no amino-acid change (glycine 235 retained).
Molecular consequence: synonymous variant.
Genome position (GRCh38, 1-based): chr11:47,348,491, G>A on the plus strand (C>T on the coding strand, the complement: MYBPC3 is on the minus strand). VCF-style: chr11-47348491-G-A. GRCh37 (hg19) VCF-style: chr11-47370042-G-A.
Identifiers: ClinVar variation 1299817 (VCV001299817.5), dbSNP rs767913494, ClinGen allele CA056512.

ClinVar aggregate classification (germline): Likely benign. Review status: criteria provided, multiple submitters, no conflicts (2 of 4 stars). 5 submissions from 5 submitters: Likely benign (3). 2 of the submissions do not count toward it. Last evaluated 2025-12-26.

Conditions:
Cardiovascular phenotype. Identifiers: MedGen CN230736.
Hypertrophic cardiomyopathy. Also called: HYPERTROPHIC MYOCARDIOPATHY. Identifiers: Orphanet 217569, MedGen C0007194, MeSH D002312, MONDO:0005045, HP:0001639.

Allele frequency attached by ClinVar (database versions not stated): gnomAD exomes below 0.00001 and 0.00001; ExAC 0.00001; gnomAD 0.00001; TOPMed 0.00001.
gnomAD v4.1: 7 of 1,613,434 alleles (0.00043%); highest among the groups gnomAD compares: Admixed American, 0.0033%; no homozygotes.

Submissions (5):

Ambry Genetics
Classification: Likely benign for Cardiovascular phenotype. Last evaluated: 2025-12-26. Review status: criteria provided, single submitter. Criteria: Ambry Variant Classification Scheme 2023. Collection method: clinical testing. Allele origin: germline.

Labcorp Genetics (formerly Invitae), Labcorp
Classification: Likely benign for Hypertrophic cardiomyopathy. Last evaluated: 2024-12-23. Review status: criteria provided, single submitter. Criteria: Invitae Variant Classification Sherloc (09022015). Collection method: clinical testing. Allele origin: germline.

All of Us Research Program, National Institutes of Health
Classification: Likely benign for Hypertrophic cardiomyopathy. Last evaluated: 2023-12-18. Review status: criteria provided, single submitter. Criteria: ACMG Guidelines, 2015. Collection method: clinical testing. Allele origin: germline. Inheritance: Autosomal dominant inheritance. Observed: 2 variant alleles, 2 heterozygotes.
Comment: This study involves interpretation of variants in research participants for the purpose of population health screening. Participant phenotype was not available at the time of variant classification. Additional details can be found in publication PMID: 35346344, PMCID: PMC8962531

Diagnostic Laboratory, Department of Genetics, University Medical Center Groningen
Classification: Likely benign. Review status: no assertion criteria provided. Collection method: clinical testing. Allele origin: germline. Affected: yes. Study: VKGL Data-share Consensus. Not counted in ClinVar's aggregate classification.

Genome Diagnostics Laboratory, University Medical Center Utrecht
Classification: Likely benign. Review status: no assertion criteria provided. Collection method: clinical testing. Allele origin: germline. Affected: yes. Study: VKGL Data-share Consensus. Not counted in ClinVar's aggregate classification.